The following is an entry in ClinVar:

NM_024675.4(PALB2):c.1737T>A (p.Ala579=)

Gene: PALB2 (partner and localizer of BRCA2; minus strand). Cytogenetic location: 16p12.2.
Variant type: single nucleotide variant.
Coding change: c.1737T>A on transcript NM_024675.4 (MANE Select); coding-DNA position 1737, T replaced by A.
Protein change: p.Ala579=; no amino-acid change (alanine 579 retained).
Molecular consequence: synonymous variant. On other transcripts: 5 prime UTR variant (2), intron variant (1).
Genome position (GRCh38, 1-based): chr16:23,630,417, A>T on the plus strand (T>A on the coding strand, the complement: PALB2 is on the minus strand). VCF-style: chr16-23630417-A-T. GRCh37 (hg19) VCF-style: chr16-23641738-A-T.
Other names: c.1677T>A, p.Ala559= (NM_001407296.1); c.1737T>A, p.Ala579= (NM_001407297.1, NM_001407298.1, NM_001407299.1 and 3 more transcripts); c.852T>A, p.Ala284= (NM_001407304.1, NM_001407305.1, NM_001407306.1 and 5 more transcripts); c.-52T>A (NM_001407312.1, NM_001407313.1); c.49-1142T>A (NM_001407314.1).
Identifiers: ClinVar variation 3904034 (VCV003904034.1).

ClinVar aggregate classification (germline): Benign (1 of 4 stars; one submission).

Conditions:
Familial cancer of breast. Also called: Hereditary breast cancer; hereditary breast carcinoma; BREAST CANCER, FAMILIAL. Identifiers: Orphanet 227535, MedGen C0346153, MONDO:0016419, OMIM 114480. Disease mechanism: loss of function.

Submission:

Myriad Genetics, Inc.
Classification: Benign for Familial cancer of breast. Last evaluated: 2025-01-14. Review status: criteria provided, single submitter. Criteria: Myriad Autosomal Dominant, Autosomal Recessive and X-Linked Classification Criteria (2023). Collection method: clinical testing. Allele origin: unknown.
Comment: This variant is considered benign. This variant is a silent/synonymous amino acid change and it is not expected to impact splicing.